The following is an entry in ClinVar:

NM_001377137.1(GBF1):c.991C>T (p.Pro331Ser)

Gene: GBF1 (golgi brefeldin A resistant guanine nucleotide exchange factor 1; plus strand). Cytogenetic location: 10q24.32.
Variant type: single nucleotide variant.
Coding change: c.991C>T on transcript NM_001377137.1 (MANE Select); coding-DNA position 991, C replaced by T.
Protein change: p.Pro331Ser; replaces proline 331 with serine.
Molecular consequence: missense variant. On other transcripts: non-coding transcript variant (5).
Genome position (GRCh38, 1-based): chr10:102,358,709, C>T. VCF-style: chr10-102358709-C-T. GRCh37 (hg19) VCF-style: chr10-104118466-C-T.
Other names: p.Pro331Ser; c.991C>T, p.Pro331Ser (NM_001199378.2, NM_001199379.2, NM_001377138.1 and 13 more transcripts); c.1090C>T, p.Pro364Ser (NM_001391922.1, NM_001411027.1); c.1066C>T, p.Pro356Ser (NM_001411003.1); short protein forms P331S, P356S, P364S.
Identifiers: ClinVar variation 2630853 (VCV002630853.3), dbSNP rs751773741, ClinGen allele CA377838726.

ClinVar aggregate classification (germline): Uncertain significance. Review status: criteria provided, multiple submitters, no conflicts (2 of 4 stars). 2 submissions from 2 submitters: Uncertain significance (2). Last evaluated 2024-10-22.

Conditions:
GBF1-related disorder. Also called: GBF1-related condition.

Submissions (2):

Mayo Clinic Laboratories, Mayo Clinic
Classification: Uncertain significance. Last evaluated: 2024-10-22. Review status: criteria provided, single submitter. Criteria: ACMG Guidelines, 2015. Collection method: clinical testing. Allele origin: germline. Observed: 2 variant alleles.
Comment: BP4, PM2_supporting

PreventionGenetics, part of Exact Sciences
Classification: Uncertain significance for GBF1-related condition. Last evaluated: 2023-09-29. Review status: criteria provided, single submitter. Criteria: ACMG Guidelines, 2015. Collection method: clinical testing. Allele origin: germline.
Comment: The GBF1 c.991C>T variant is predicted to result in the amino acid substitution p.Pro331Ser. To our knowledge, this variant has not been reported in the literature or in a large population database, indicating this variant is rare. At this time, the clinical significance of this variant is uncertain due to the absence of conclusive functional and genetic evidence.